The following is an entry in ClinVar:

NM_004036.5(ADCY3):c.1362G>C (p.Val454=)

Gene: ADCY3 (adenylate cyclase 3; minus strand). Cytogenetic location: 2p23.3.
Variant type: single nucleotide variant.
Coding change: c.1362G>C on transcript NM_004036.5 (MANE Select); coding-DNA position 1362, G replaced by C.
Protein change: p.Val454=; no amino-acid change (valine 454 retained).
Molecular consequence: synonymous variant.
Genome position (GRCh38, 1-based): chr2:24,838,616, C>G on the plus strand (G>C on the coding strand, the complement: ADCY3 is on the minus strand). VCF-style: chr2-24838616-C-G. GRCh37 (hg19) VCF-style: chr2-25061485-C-G.
Other names: c.1362G>C, p.Val454= (NM_001320613.2, NM_001377129.1, NM_001377130.1 and 1 more transcripts); c.1428G>C, p.Val476= (NM_001377128.1); c.639G>C, p.Val213= (NM_001377131.1).
Identifiers: ClinVar variation 3032268 (VCV003032268.2), dbSNP rs751105673, ClinGen allele CA425173996.

ClinVar aggregate classification (germline): Likely benign (0 of 4 stars; one submission).

Conditions:
ADCY3-related disorder. Also called: ADCY3-related condition.

Allele frequency attached by ClinVar (database versions not stated): TOPMed 0.00003.
gnomAD v4.1: 12 of 1,613,724 alleles (0.00074%); highest among the groups gnomAD compares: African/African-American, 0.0013%; no homozygotes.

Submission:

PreventionGenetics, part of Exact Sciences
Classification: Likely benign for ADCY3-related condition. Last evaluated: 2022-09-23. Review status: no assertion criteria provided. Collection method: clinical testing. Allele origin: germline.
Comment: This variant is classified as likely benign based on ACMG/AMP sequence variant interpretation guidelines (Richards et al. 2015 PMID: 25741868, with internal and published modifications).